The following is an entry in ClinVar:

ClinVar aggregate classification (germline): Uncertain significance (1 of 4 stars; one submission).

Allele frequency attached by ClinVar (database versions not stated): ExAC 0.00004; TOPMed 0.00014; ESP Exome Variant Server 0.00015.
gnomAD v4.1: 92 of 1,614,088 alleles (0.0057%); highest among the groups gnomAD compares: African/African-American, 0.043%; no homozygotes.

Submission:

Labcorp Genetics (formerly Invitae), Labcorp
Classification: Uncertain significance. Last evaluated: 2025-10-08. Review status: criteria provided, single submitter. Criteria: Invitae Variant Classification Sherloc (09022015). Collection method: clinical testing. Allele origin: germline.
Comment: This sequence change replaces arginine, which is basic and polar, with cysteine, which is neutral and slightly polar, at codon 484 of the C8A protein (p.Arg484Cys). This variant is present in population databases (rs201007993, gnomAD 0.03%). This variant has not been reported in the literature in individuals affected with C8A-related conditions. ClinVar contains an entry for this variant (Variation ID: 2061152). An algorithm developed to predict the effect of missense changes on protein structure and function (PolyPhen-2) suggests that this variant is likely to be disruptive. In summary, the available evidence is currently insufficient to determine the role of this variant in disease. Therefore, it has been classified as a Variant of Uncertain Significance.

NM_000562.3(C8A):c.1450C>T (p.Arg484Cys)

Gene: C8A (complement C8 alpha chain; plus strand). Cytogenetic location: 1p32.2.
Variant type: single nucleotide variant.
Coding change: c.1450C>T on transcript NM_000562.3 (MANE Select); coding-DNA position 1450, C replaced by T.
Protein change: p.Arg484Cys; replaces arginine 484 with cysteine.
Molecular consequence: missense variant.
Genome position (GRCh38, 1-based): chr1:56,912,472, C>T. VCF-style: chr1-56912472-C-T. GRCh37 (hg19) VCF-style: chr1-57378145-C-T.
Other names: short protein forms R484C.
Identifiers: ClinVar variation 2061152 (VCV002061152.2), dbSNP rs201007993, ClinGen allele CA875396.